The following is an entry in ClinVar:

ClinVar aggregate classification (germline): Uncertain significance. Review status: criteria provided, multiple submitters, no conflicts (2 of 4 stars). 3 submissions from 3 submitters: Uncertain significance (3). Last evaluated 2026-08-20.

Conditions:
ATP7B-related disorder. Also called: ATP7B-related condition.
Wilson disease (WND). Also called: Wilson's disease. Identifiers: Orphanet 905, MedGen C0019202, MONDO:0010200, OMIM 277900. Disease mechanism: loss of function.

Allele frequency attached by ClinVar (database versions not stated): TOPMed below 0.00001; gnomAD 0.00001.
gnomAD v4.1: 24 of 1,614,138 alleles (0.0015%); highest among the groups gnomAD compares: Non-Finnish European, 0.0017%; no homozygotes.

Submissions (3):

PreventionGenetics, part of Exact Sciences
Classification: Uncertain significance for ATP7B-related condition. Last evaluated: 2026-08-20. Review status: criteria provided, single submitter. Criteria: ACMG Guidelines, 2015. Collection method: clinical testing. Allele origin: germline.
Comment: The ATP7B c.3844G>A variant is predicted to result in the amino acid substitution p.Val1282Met. To our knowledge, this variant has not been reported in the literature. This variant is reported in 0.0065% of alleles in individuals of European (Non-Finnish) descent in gnomAD. At this time, the clinical significance of this variant is uncertain due to the absence of conclusive functional and genetic evidence.

All of Us Research Program, National Institutes of Health
Classification: Uncertain significance for Wilson disease. Last evaluated: 2024-04-25. Review status: criteria provided, single submitter. Criteria: ACMG Guidelines, 2015. Collection method: clinical testing. Allele origin: germline. Inheritance: Autosomal recessive inheritance. Observed: 3 variant alleles, 3 heterozygotes.
Comment: This missense variant replaces valine with methionine at codon 1282 of the ATP7B protein. Computational prediction is inconclusive regarding the impact of this variant on protein structure and function (internally defined REVEL score threshold 0.5 < inconclusive < 0.7, PMID: 27666373). To our knowledge, functional studies have not been reported for this variant. This variant has not been reported in individuals affected with ATP7B-related disorders in the literature. This variant has been identified in 1/31390 chromosomes in the general population by the Genome Aggregation Database (gnomAD). The available evidence is insufficient to determine the role of this variant in disease conclusively. Therefore, this variant is classified as a Variant of Uncertain Significance.

This study involves interpretation of variants in research participants for the purpose of population health screening. Participant phenotype was not available at the time of variant classification. Additional details can be found in publication PMID: 35346344, PMCID: PMC8962531

Color Diagnostics, LLC DBA Color Health
Classification: Uncertain significance for Wilson disease. Last evaluated: 2022-06-14. Review status: criteria provided, single submitter. Criteria: ACMG Guidelines, 2015. Collection method: clinical testing. Allele origin: germline.
Comment: This missense variant replaces valine with methionine at codon 1282 of the ATP7B protein. Computational prediction is inconclusive regarding the impact of this variant on protein structure and function. To our knowledge, functional studies have not been reported for this variant. This variant has not been reported in individuals affected with ATP7B-related disorders in the literature. This variant has been identified in 1/31390 chromosomes in the general population by the Genome Aggregation Database (gnomAD). The available evidence is insufficient to determine the role of this variant in disease conclusively. Therefore, this variant is classified as a Variant of Uncertain Significance.

NM_000053.4(ATP7B):c.3844G>A (p.Val1282Met)

Gene: ATP7B (ATPase copper transporting beta; minus strand). Cytogenetic location: 13q14.3.
Variant type: single nucleotide variant.
Coding change: c.3844G>A on transcript NM_000053.4 (MANE Select); coding-DNA position 3844, G replaced by A.
Protein change: p.Val1282Met; replaces valine 1282 with methionine.
Molecular consequence: missense variant. On other transcripts: intron variant (1).
Genome position (GRCh38, 1-based): chr13:51,937,535, C>T on the plus strand (G>A on the coding strand, the complement: ATP7B is on the minus strand). VCF-style: chr13-51937535-C-T. GRCh37 (hg19) VCF-style: chr13-52511671-C-T.
Other names: c.3223G>A, p.Val1075Met (NM_001005918.3); c.3511G>A, p.Val1171Met (NM_001243182.2); c.3610G>A, p.Val1204Met (NM_001330578.2, NM_001406527.1, NM_001406528.1); c.3592G>A, p.Val1198Met (NM_001330579.2, NM_001406531.1, NM_001406532.1); c.3844G>A, p.Val1282Met (NM_001406511.1, NM_001406512.1); c.3838G>A, p.Val1280Met (NM_001406513.1); c.3811G>A, p.Val1271Met (NM_001406514.1); c.3790G>A, p.Val1264Met (NM_001406515.1, NM_001406516.1); and 22 more; short protein forms V1001M, V1055M, V1066M, V1075M, V1088M, V1118M, V1120M, V1133M.
Identifiers: ClinVar variation 3075583 (VCV003075583.4), dbSNP rs1362240104, ClinGen allele CA388021712.